The following is an entry in ClinVar:

ClinVar aggregate classification (germline): Uncertain significance (1 of 4 stars; one submission).

gnomAD v4.1: 2 of 1,600,402 alleles (0.00012%); highest among the groups gnomAD compares: Admixed American, 0.0034%; no homozygotes.

Submission:

Women's Health and Genetics/Laboratory Corporation of America, LabCorp
Classification: Uncertain significance. Last evaluated: 2026-03-12. Review status: criteria provided, single submitter. Criteria: LabCorp Variant Classification Summary - May 2015. Collection method: clinical testing. Allele origin: germline.
Comment: Variant summary: MYO15A c.2914C>T (p.Pro972Ser) results in a non-conservative amino acid change in the encoded protein sequence. Algorithms developed to predict the effect of missense changes on protein structure and function are either unavailable or do not agree on the potential impact of this missense change. The variant was absent in 237158 control chromosomes. The available data on variant occurrences in the general population are insufficient to allow any conclusion about variant significance. To our knowledge, no occurrence of c.2914C>T in individuals affected with MYO15A-related conditions and no experimental evidence demonstrating its impact on protein function have been reported. No submitters have cited clinical-significance assessments for this variant to ClinVar. Based on the evidence outlined above, the variant was classified as uncertain significance.

NM_016239.4(MYO15A):c.2914C>T (p.Pro972Ser)

Gene: MYO15A (myosin XVA; plus strand). Cytogenetic location: 17p11.2.
Variant type: single nucleotide variant.
Coding change: c.2914C>T on transcript NM_016239.4 (MANE Select); coding-DNA position 2914, C replaced by T.
Protein change: p.Pro972Ser; replaces proline 972 with serine.
Molecular consequence: missense variant.
Genome position (GRCh38, 1-based): chr17:18,121,714, C>T. VCF-style: chr17-18121714-C-T. GRCh37 (hg19) VCF-style: chr17-18025028-C-T.
Other names: short protein forms P972S.
Identifiers: ClinVar variation 4847274 (VCV004847274.1).